The following is an entry in ClinVar:

NM_000435.3(NOTCH3):c.*890C>T

Gene: NOTCH3 (notch receptor 3; minus strand). Cytogenetic location: 19p13.12.
Variant type: single nucleotide variant.
Coding change: c.*890C>T on transcript NM_000435.3 (MANE Select); 890 bases downstream of the stop codon, C replaced by T.
Molecular consequence: 3 prime UTR variant.
Genome position (GRCh38, 1-based): chr19:15,159,772, G>A on the plus strand (C>T on the coding strand, the complement: NOTCH3 is on the minus strand). VCF-style: chr19-15159772-G-A. GRCh37 (hg19) VCF-style: chr19-15270583-G-A.
Identifiers: ClinVar variation 328357 (VCV000328357.6), dbSNP rs1044123, ClinGen allele CA10642368.

ClinVar aggregate classification (germline): Benign. Review status: criteria provided, multiple submitters, no conflicts (2 of 4 stars). 2 submissions from 2 submitters: Benign (2). Last evaluated 2017-04-27.

Conditions:
Cerebral arteriopathy, autosomal dominant, with subcortical infarcts and leukoencephalopathy, type 1 (CADASIL1). Also called: CADASIL 1; Cerebral arteriopathy with subcortical infarcts and leukoencephalopathy 1; CASIL; DEMENTIA, HEREDITARY MULTIINFARCT TYPE. Identifiers: Orphanet 136, MedGen C4551768, MONDO:0000914, OMIM 125310.

Allele frequency attached by ClinVar (database versions not stated): 1000 Genomes Project 0.62380; TOPMed 0.65887; 1000 Genomes Project 30x 0.62633; gnomAD 0.68217 and 0.68252; gnomAD exomes 0.72022.
gnomAD v4.1: 162,150 of 233,184 alleles (70%); highest among the groups gnomAD compares: Non-Finnish European, 77%; 57,613 homozygotes.

Submissions (2):

Illumina Laboratory Services, Illumina
Classification: Benign for Cerebral arteriopathy, autosomal dominant, with subcortical infarcts and leukoencephalopathy, type 1. Last evaluated: 2017-04-27. Review status: criteria provided, single submitter. Criteria: ICSL Variant Classification Criteria 13 December 2019. Collection method: clinical testing. Allele origin: germline.
Comment: This variant was observed as part of a predisposition screen in an ostensibly healthy population. A literature search was performed for the gene, cDNA change, and amino acid change (where applicable). No publications were found based on this search. Allele frequency data from public databases was too high to be consistent with this variant causing disease. Therefore, this variant is classified as benign.

Breakthrough Genomics
Classification: Benign. Review status: criteria provided, single submitter. Criteria: ACMG Guidelines, 2015. Collection method: not provided. Allele origin: germline. Inheritance: Autosomal dominant inheritance. Affected: yes.